The following is an entry in ClinVar:

ClinVar aggregate classification (germline): Uncertain significance. Review status: criteria provided, multiple submitters, no conflicts (2 of 4 stars). 2 submissions from 2 submitters: Uncertain significance (2). Last evaluated 2021-11-12.

Conditions:
Pierson syndrome. Also called: MICROCORIA-CONGENITAL NEPHROTIC SYNDROME. Identifiers: Orphanet 2670, MedGen C1836876, MONDO:0012184, OMIM 609049.
LAMB2-related infantile-onset nephrotic syndrome. Also called: NEPHROTIC SYNDROME, TYPE 5, WITHOUT OCULAR ABNORMALITIES; NEPHROTIC SYNDROME, TYPE 5, WITH OCULAR ABNORMALITIES; Nephrotic Syndrome, type 5. Identifiers: Orphanet 306507, MedGen C3280113, MONDO:0013621, OMIM 614199.

Submissions (2):

Fulgent Genetics
Classification: Uncertain significance for Pierson syndrome; LAMB2-related infantile-onset nephrotic syndrome. Last evaluated: 2021-11-12. Review status: criteria provided, single submitter. Criteria: ACMG Guidelines, 2015. Collection method: clinical testing. Allele origin: unknown.

Labcorp Genetics (formerly Invitae), Labcorp
Classification: Uncertain significance for LAMB2-related infantile-onset nephrotic syndrome; Pierson syndrome. Last evaluated: 2021-10-16. Review status: criteria provided, single submitter. Criteria: Invitae Variant Classification Sherloc (09022015). Collection method: clinical testing. Allele origin: germline.
Comment: In summary, the available evidence is currently insufficient to determine the role of this variant in disease. Therefore, it has been classified as a Variant of Uncertain Significance. Algorithms developed to predict the effect of missense changes on protein structure and function (SIFT, PolyPhen-2, Align-GVGD) all suggest that this variant is likely to be tolerated. This variant has not been reported in the literature in individuals affected with LAMB2-related conditions. This variant is not present in population databases (ExAC no frequency). This sequence change replaces isoleucine with valine at codon 1240 of the LAMB2 protein (p.Ile1240Val). The isoleucine residue is weakly conserved and there is a small physicochemical difference between isoleucine and valine.

NM_002292.4(LAMB2):c.3718A>G (p.Ile1240Val)

Gene: LAMB2 (laminin subunit beta 2; minus strand). Cytogenetic location: 3p21.31.
Variant type: single nucleotide variant.
Coding change: c.3718A>G on transcript NM_002292.4 (MANE Select); coding-DNA position 3718, A replaced by G.
Protein change: p.Ile1240Val; replaces isoleucine 1240 with valine.
Molecular consequence: missense variant.
Genome position (GRCh38, 1-based): chr3:49,123,807, T>C on the plus strand (A>G on the coding strand, the complement: LAMB2 is on the minus strand). VCF-style: chr3-49123807-T-C. GRCh37 (hg19) VCF-style: chr3-49161240-T-C.
Other names: short protein forms I1240V.
Identifiers: ClinVar variation 1487599 (VCV001487599.7), dbSNP rs1447852720, ClinGen allele CA352704812.